The following is an entry in ClinVar:

NM_017852.5(NLRP2):c.2316C>T (p.Pro772=)

Gene: NLRP2 (NLR family pyrin domain containing 2; plus strand). Cytogenetic location: 19q13.42.
Variant type: single nucleotide variant.
Coding change: c.2316C>T on transcript NM_017852.5 (MANE Select); coding-DNA position 2316, C replaced by T.
Protein change: p.Pro772=; no amino-acid change (proline 772 retained).
Molecular consequence: synonymous variant. On other transcripts: non-coding transcript variant (1).
Genome position (GRCh38, 1-based): chr19:54,986,265, C>T. VCF-style: chr19-54986265-C-T. GRCh37 (hg19) VCF-style: chr19-55497633-C-T.
Other names: c.2316C>T, p.Pro772= (NM_001174081.3); c.2250C>T, p.Pro750= (NM_001174082.3); c.2247C>T, p.Pro749= (NM_001174083.2); c.2307C>T, p.Pro769= (NM_001348003.2).
Identifiers: ClinVar variation 3037714 (VCV003037714.2), dbSNP rs376463314, ClinGen allele CA310109863.

ClinVar aggregate classification (germline): Likely benign (0 of 4 stars; one submission).

Conditions:
NLRP2-related disorder. Also called: NLRP2-related condition.

Allele frequency attached by ClinVar (database versions not stated): gnomAD exomes 0.00010; ExAC 0.00013; ESP Exome Variant Server 0.00015; gnomAD 0.00016; TOPMed 0.00022.
gnomAD v4.1: 173 of 1,613,894 alleles (0.011%); highest among the groups gnomAD compares: Admixed American, 0.028%; no homozygotes.

Submission:

PreventionGenetics, part of Exact Sciences
Classification: Likely benign for NLRP2-related condition. Last evaluated: 2019-12-31. Review status: no assertion criteria provided. Collection method: clinical testing. Allele origin: germline.
Comment: This variant is classified as likely benign based on ACMG/AMP sequence variant interpretation guidelines (Richards et al. 2015 PMID: 25741868, with internal and published modifications).